The following is an entry in ClinVar:

NM_000465.4(BARD1):c.119C>T (p.Ala40Val)

Gene: BARD1 (BRCA1 associated RING domain 1; minus strand). Cytogenetic location: 2q35.
Variant type: single nucleotide variant.
Coding change: c.119C>T on transcript NM_000465.4 (MANE Select); coding-DNA position 119, C replaced by T.
Protein change: p.Ala40Val; replaces alanine 40 with valine.
Molecular consequence: missense variant. On other transcripts: non-coding transcript variant (3).
Genome position (GRCh38, 1-based): chr2:214,809,451, G>A on the plus strand (C>T on the coding strand, the complement: BARD1 is on the minus strand). VCF-style: chr2-214809451-G-A. GRCh37 (hg19) VCF-style: chr2-215674175-G-A.
Other names: c.119C>T, p.Ala40Val (NM_001282543.2, NM_001282545.2, NM_001282548.2 and 1 more transcripts); short protein forms A40V.
Identifiers: ClinVar variation 142910 (VCV000142910.38), dbSNP rs71579841, ClinGen allele CA333289.

ClinVar aggregate classification (germline): Conflicting classifications of pathogenicity. Review status: criteria provided, conflicting classifications (1 of 4 stars). 14 submissions from 14 submitters: Uncertain significance (12); Likely benign (2). Last evaluated 2026-02-06.

Conditions:
BARD1-related disorder. Also called: BARD1-related condition.
Hereditary cancer-predisposing syndrome. Also called: Tumor predisposition; Neoplastic Syndromes, Hereditary; Hereditary neoplastic syndrome; Hereditary Cancer Syndrome. Identifiers: Orphanet 140162, MedGen C0027672, MeSH D009386, MONDO:0015356.
Familial cancer of breast. Also called: BREAST CANCER, FAMILIAL; Hereditary breast cancer; hereditary breast carcinoma. Identifiers: Orphanet 227535, MedGen C0346153, MONDO:0016419, OMIM 114480. Disease mechanism: loss of function.

Allele frequency attached by ClinVar (database versions not stated): gnomAD exomes 0.00002 and 0.00003; ExAC 0.00005; gnomAD 0.00006 and 0.00007; TOPMed 0.00006.
gnomAD v4.1: 46 of 1,611,538 alleles (0.0029%); highest among the groups gnomAD compares: Middle Eastern, 0.016%; no homozygotes.

Submissions 1 to 9 of 14:

Dasa
Classification: Uncertain significance. Last evaluated: 2026-02-06. Review status: criteria provided, single submitter. Criteria: DASA Assertion Criteria. Collection method: clinical testing. Allele origin: germline.
Comment: NM_000465.4(BARD1):c.119C>T (p.Ala40Val) is a missense variant that results in the substitution of alanine with valine. Functional evidence supports an impact on the gene or gene product (PMID: 26350354; PMID: 26315354; PMID: 32658311; PMID: 30613976; PMID: 30680046). Also, this variant is rare in population databases. The currently available literature and clinical evidence are not sufficient to establish a definitive association between this variant and the reported condition. Therefore, this variant is classified as a variant of uncertain significance.

Labcorp Genetics (formerly Invitae), Labcorp
Classification: Uncertain significance for Familial cancer of breast. Last evaluated: 2026-01-14. Review status: criteria provided, single submitter. Criteria: Invitae Variant Classification Sherloc (09022015). Collection method: clinical testing. Allele origin: germline.
Comment: This sequence change replaces alanine, which is neutral and non-polar, with valine, which is neutral and non-polar, at codon 40 of the BARD1 protein (p.Ala40Val). This variant is present in population databases (rs71579841, gnomAD 0.03%). This missense change has been observed in individual(s) with breast and/or gastric cancer (PMID: 28202063, 30680046, 32658311). ClinVar contains an entry for this variant (Variation ID: 142910). An algorithm developed to predict the effect of missense changes on protein structure and function (PolyPhen-2) suggests that this variant is likely to be disruptive. Experimental studies have shown that this missense change affects BARD1 function (PMID: 39387837). In summary, the available evidence is currently insufficient to determine the role of this variant in disease. Therefore, it has been classified as a Variant of Uncertain Significance.

PreventionGenetics, part of Exact Sciences
Classification: Uncertain significance for BARD1-related condition. Last evaluated: 2025-10-02. Review status: criteria provided, single submitter. Criteria: ACMG Guidelines, 2015. Collection method: clinical testing. Allele origin: germline.
Comment: The BARD1 c.119C>T variant is predicted to result in the amino acid substitution p.Ala40Val. This variant has been reported in multiple individuals with breast cancer (Jalkh et al. 2017. PubMed ID: 28202063; Supplementary Table 3, Rizzolo et al. 2019. PubMed ID: 30613976; Table S6, Akcay et al. 2020. PubMed ID: 32658311) in an individual with an advanced unspecified cancer (eTable, Mandelker et al. 2017. PubMed ID: 28873162), and in one control individual from an ovarian cancer case-control sequencing study (Ramus et al. 2015. PubMed ID: 26315354). In a functional study, it was found that the BARD1 p.Ala40Val variant retained full homology-directed repair activity when compared to wild type (Lee et al. 2015. PubMed ID: 26350354). This variant is reported in 0.020% of alleles in individuals of Ashkenazi Jewish descent in gnomAD and has conflicting interpretations in ClinVar ranging from uncertain significance to likely benign (Variation ID: 142910). At this time, the clinical significance of this variant is uncertain due to the absence of conclusive functional and genetic evidence.

Women's Health and Genetics/Laboratory Corporation of America, LabCorp
Classification: Uncertain significance. Last evaluated: 2025-08-29. Review status: criteria provided, single submitter. Criteria: LabCorp Variant Classification Summary - May 2015. Collection method: clinical testing. Allele origin: germline.
Comment: Variant summary: BARD1 c.119C>T (p.Ala40Val) results in a non-conservative amino acid change in the encoded protein sequence. Algorithms developed to predict the effect of missense changes on protein structure and function all suggest that this variant is likely to be disruptive. The variant allele was found at a frequency of 3.2e-05 in 246852 control chromosomes (gnomAD). The available data on variant occurrences in the general population are insufficient to allow any conclusion about variant significance. c.119C>T has been observed in individuals affected with breast cancer or gastric cancer (e.g., Jalkh_2017, Henn_2019, Rizzolo_2019, Akcay_2021). These reports do not provide unequivocal conclusions about association of the variant with Breast Cancer. Publications report experimental evidence evaluating an impact on protein function (Lee_2015, Li_2025). These results showed no damaging effect of this variant. The following publications have been ascertained in the context of this evaluation (PMID: 30680046, 28202063, 26350354, 26315354, 30613976, 39387837, 32658311). ClinVar contains an entry for this variant (Variation ID: 142910). Based on the evidence outlined above, the variant was classified as uncertain significance.

Molecular Diagnostics Laboratory, Catalan Institute of Oncology
Classification: Uncertain significance for Hereditary cancer-predisposing syndrome. Last evaluated: 2025-08-26. Review status: criteria provided, single submitter. Criteria: ACMG Guidelines, 2015. Collection method: clinical testing. Allele origin: germline.
Comment: c.119C>T, located in exon 1 of the BARD1 gene, is predicted to result in the substitution of alanine with valine at codon 40, p.(Ala40Val). This variant is found in 10/259510 alleles at a frequency of 0.004% in the gnomAD v2.1.1 database, non-cancer dataset. The SpliceAI algorithm predicts no significant impact on splicing. The REVEL meta-predictor score for this variant (0.453) is indeterminate regarding the effect it may have on protein function, according to Pejaver 2022 thresholds (PMID: 36413997). Experimental studies have shown that this missense change is fully functional for HDR (PMID: 26350354). Found in 1 out of 3431 healthy controls and none of the 3236 ovarian cancer patients in a case-control study (PMID:�26315354). This variant has been reported in multiple cancer-affected individuals (PMID: 26315354, �28202063, 32658311). This variant has been reported in the ClinVar database (2x likely benign, 8x uncertain significance) and in LOVD (1x uncertain significance). Based on the currently available evidence, c.119C>T is classified as an uncertain significance variant according to ACMG/AMP classification guidelines.

Color Diagnostics, LLC DBA Color Health
Classification: Uncertain significance for Hereditary cancer-predisposing syndrome. Last evaluated: 2025-04-01. Review status: criteria provided, single submitter. Criteria: ACMG Guidelines, 2015. Collection method: clinical testing. Allele origin: germline.
Comment: This missense variant replaces alanine with valine at codon 40 of the BARD1 protein. Computational prediction suggests that this variant may not impact protein structure and function. A functional study has shown that this variant does not impact homology-directed DNA repair in a cell line-based assay (PMID: 26350354). This variant has been reported in two individuals affected with breast cancer and one individual affected with gastric cancer (PMID: 28202063, 30680046, 30613976) and also in an unaffected individual from an ovarian cancer case-control study (PMID: 26315354). This variant has been identified in 10/271360 chromosomes in the general population by the Genome Aggregation Database (gnomAD). The available evidence is insufficient to determine the role of this variant in disease conclusively. Therefore, this variant is classified as a Variant of Uncertain Significance.

Myriad Genetics, Inc.
Classification: Likely benign for Familial cancer of breast. Last evaluated: 2024-07-18. Review status: criteria provided, single submitter. Criteria: Myriad Autosomal Dominant, Autosomal Recessive and X-Linked Classification Criteria (2023). Collection method: clinical testing. Allele origin: unknown.
Comment: This variant is considered likely benign. This variant is strongly associated with less severe personal and family histories of cancer, typical for individuals without pathogenic variants in this gene [PMID: 25085752].

Baylor Genetics
Classification: Uncertain significance for Familial cancer of breast. Last evaluated: 2024-03-17. Review status: criteria provided, single submitter. Criteria: ACMG Guidelines, 2015. Collection method: clinical testing. Allele origin: unknown.

GeneDx
Classification: Uncertain significance. Last evaluated: 2023-10-11. Review status: criteria provided, single submitter. Criteria: GeneDx Variant Classification Process June 2021. Collection method: clinical testing. Allele origin: germline. Affected: yes.
Comment: In silico analysis supports that this missense variant does not alter protein structure/function; Published functional studies demonstrate homology-directed repair activity comparable to wild-type (PMID: 26350354); Observed in individuals with breast and other cancers, as well as in unaffected controls (PMID: 30680046, 28202063, 28873162, 31036035); This variant is associated with the following publications: (PMID: 11573085, 23056176, 28202063, 26315354, 28873162, 30680046, 30613976, 18480049, 31036035, 26350354)